The following is an entry in ClinVar:

ClinVar aggregate classification (germline): Uncertain significance (1 of 4 stars; one submission).

Submission:

Labcorp Genetics (formerly Invitae), Labcorp
Classification: Uncertain significance. Last evaluated: 2024-10-17. Review status: criteria provided, single submitter. Criteria: Invitae Variant Classification Sherloc (09022015). Collection method: clinical testing. Allele origin: germline.
Comment: This sequence change replaces phenylalanine, which is neutral and non-polar, with leucine, which is neutral and non-polar, at codon 335 of the GNB3 protein (p.Phe335Leu). This variant is not present in population databases (gnomAD no frequency). This variant has not been reported in the literature in individuals affected with GNB3-related conditions. Invitae Evidence Modeling of protein sequence and biophysical properties (such as structural, functional, and spatial information, amino acid conservation, physicochemical variation, residue mobility, and thermodynamic stability) indicates that this missense variant is not expected to disrupt GNB3 protein function with a negative predictive value of 80%. In summary, the available evidence is currently insufficient to determine the role of this variant in disease. Therefore, it has been classified as a Variant of Uncertain Significance.

NM_002075.4(GNB3):c.1005C>A (p.Phe335Leu)

Genes: CDCA3 (cell division cycle associated 3; minus strand), GNB3 (G protein subunit beta 3; plus strand). Cytogenetic location: 12p13.31.
Variant type: single nucleotide variant.
Coding change: c.1005C>A on transcript NM_002075.4 (MANE Select); coding-DNA position 1005, C replaced by A.
Protein change: p.Phe335Leu; replaces phenylalanine 335 with leucine.
Molecular consequence: missense variant. On other transcripts: nonsense (1).
Genome position (GRCh38, 1-based): chr12:6,846,880, C>A. VCF-style: chr12-6846880-C-A. GRCh37 (hg19) VCF-style: chr12-6956044-C-A.
Other names: c.1002C>A, p.Phe334Leu (NM_001297571.2); c.568G>T, p.Glu190Ter (NM_001297603.3); short protein forms E190*, F335L, F334L.
Identifiers: ClinVar variation 2850275 (VCV002850275.3), dbSNP rs782320266, ClinGen allele CA383676522.